The following is an entry in ClinVar:

ClinVar aggregate classification (germline): Uncertain significance. Review status: criteria provided, multiple submitters, no conflicts (2 of 4 stars). 2 submissions from 2 submitters: Uncertain significance (2). Last evaluated 2025-08-29.

Conditions:
Inborn genetic diseases. Identifiers: MedGen C0950123, MeSH D030342.

Submissions (2):

Ambry Genetics
Classification: Uncertain significance for Inborn genetic diseases. Last evaluated: 2025-08-29. Review status: criteria provided, single submitter. Criteria: Ambry Variant Classification Scheme 2023. Collection method: clinical testing. Allele origin: germline.

Labcorp Genetics (formerly Invitae), Labcorp
Classification: Uncertain significance. Last evaluated: 2024-10-24. Review status: criteria provided, single submitter. Criteria: Invitae Variant Classification Sherloc (09022015). Collection method: clinical testing. Allele origin: germline.
Comment: This sequence change replaces arginine, which is basic and polar, with proline, which is neutral and non-polar, at codon 1430 of the TUBGCP6 protein (p.Arg1430Pro). This variant is not present in population databases (gnomAD no frequency). This variant has not been reported in the literature in individuals affected with TUBGCP6-related conditions. ClinVar contains an entry for this variant (Variation ID: 1517192). An algorithm developed to predict the effect of missense changes on protein structure and function outputs the following: PolyPhen-2: "Benign". The proline amino acid residue is found in multiple mammalian species, which suggests that this missense change does not adversely affect protein function. In summary, the available evidence is currently insufficient to determine the role of this variant in disease. Therefore, it has been classified as a Variant of Uncertain Significance.

NM_020461.4(TUBGCP6):c.4289G>C (p.Arg1430Pro)

Gene: TUBGCP6 (tubulin gamma complex component 6; minus strand). Cytogenetic location: 22q13.33.
Variant type: single nucleotide variant.
Coding change: c.4289G>C on transcript NM_020461.4 (MANE Select); coding-DNA position 4289, G replaced by C.
Protein change: p.Arg1430Pro; replaces arginine 1430 with proline.
Molecular consequence: missense variant.
Genome position (GRCh38, 1-based): chr22:50,219,670, C>G on the plus strand (G>C on the coding strand, the complement: TUBGCP6 is on the minus strand). VCF-style: chr22-50219670-C-G. GRCh37 (hg19) VCF-style: chr22-50658099-C-G.
Other names: c.4289G>C (NM_020461.3); short protein forms R1430P.
Identifiers: ClinVar variation 1517192 (VCV001517192.6), dbSNP rs200758224, ClinGen allele CA412174817.
Genomic context (GRCh38, chr22:50,219,670, plus strand): 5'-AGGGCTCCCTGCCAACAGCAACTGCTGCACTCACACATGGACTCGTAACTGTCCGGGTAC[C>G]GCTCCAAGTGGTACTGCCCTGCCAGGCCTGCCAGGTAGGCCTGCTCCCCACCCTGAGCCT-3'
Protein context (NP_065194.3, residues 1420-1440): AGLAGQYHLE[Arg1430Pro]YPDSYESMSE